The following is an entry in ClinVar:

NM_015512.5(DNAH1):c.10609G>A (p.Glu3537Lys)

Gene: DNAH1 (dynein axonemal heavy chain 1; plus strand). Cytogenetic location: 3p21.1.
Variant type: single nucleotide variant.
Coding change: c.10609G>A on transcript NM_015512.5 (MANE Select); coding-DNA position 10609, G replaced by A.
Protein change: p.Glu3537Lys; replaces glutamic acid 3537 with lysine.
Molecular consequence: missense variant.
Genome position (GRCh38, 1-based): chr3:52,393,468, G>A. VCF-style: chr3-52393468-G-A. GRCh37 (hg19) VCF-style: chr3-52427484-G-A.
Other names: c.10609G>A (NM_015512.4); short protein forms E3537K.
Identifiers: ClinVar variation 2167638 (VCV002167638.5), dbSNP rs376414797, ClinGen allele CA2435893.

ClinVar aggregate classification (germline): Uncertain significance. Review status: criteria provided, multiple submitters, no conflicts (2 of 4 stars). 2 submissions from 2 submitters: Uncertain significance (2). Last evaluated 2025-08-28.

Conditions:
Spermatogenic failure 18. Identifiers: MedGen C4539783, MONDO:0054615, OMIM 617576.
Ciliary dyskinesia, primary, 37 (CILD37). Also called: CILIARY DYSKINESIA, PRIMARY, 37, WITH OR WITHOUT SITUS INVERSUS. Identifiers: MedGen C4539798, MONDO:0033204, OMIM 617577.

Allele frequency attached by ClinVar (database versions not stated): gnomAD exomes 0.00003; TOPMed 0.00003; gnomAD 0.00005; ExAC 0.00009; 1000 Genomes Project 30x 0.00016; 1000 Genomes Project 0.00020.
gnomAD v4.1: 58 of 1,614,000 alleles (0.0036%); highest among the groups gnomAD compares: East Asian, 0.036%; no homozygotes.

Submissions (2):

Ambry Genetics
Classification: Uncertain significance. Last evaluated: 2025-08-28. Review status: criteria provided, single submitter. Criteria: Ambry Variant Classification Scheme 2023. Collection method: clinical testing. Allele origin: germline.

Labcorp Genetics (formerly Invitae), Labcorp
Classification: Uncertain significance for Ciliary dyskinesia, primary, 37; Spermatogenic failure 18. Last evaluated: 2025-01-16. Review status: criteria provided, single submitter. Criteria: Invitae Variant Classification Sherloc (09022015). Collection method: clinical testing. Allele origin: germline.
Comment: This sequence change replaces glutamic acid, which is acidic and polar, with lysine, which is basic and polar, at codon 3537 of the DNAH1 protein (p.Glu3537Lys). This variant is present in population databases (rs376414797, gnomAD 0.06%). This variant has not been reported in the literature in individuals affected with DNAH1-related conditions. ClinVar contains an entry for this variant (Variation ID: 2167638). Invitae Evidence Modeling of protein sequence and biophysical properties (such as structural, functional, and spatial information, amino acid conservation, physicochemical variation, residue mobility, and thermodynamic stability) indicates that this missense variant is not expected to disrupt DNAH1 protein function with a negative predictive value of 80%. In summary, the available evidence is currently insufficient to determine the role of this variant in disease. Therefore, it has been classified as a Variant of Uncertain Significance.